The following is an entry in ClinVar:

NM_006361.6(HOXB13):c.612G>A (p.Gly204=)

Gene: HOXB13 (homeobox B13; minus strand). Cytogenetic location: 17q21.32.
Variant type: single nucleotide variant.
Coding change: c.612G>A on transcript NM_006361.6 (MANE Select); coding-DNA position 612, G replaced by A.
Protein change: p.Gly204=; no amino-acid change (glycine 204 retained).
Molecular consequence: synonymous variant.
Genome position (GRCh38, 1-based): chr17:48,727,033, C>T on the plus strand (G>A on the coding strand, the complement: HOXB13 is on the minus strand). VCF-style: chr17-48727033-C-T. GRCh37 (hg19) VCF-style: chr17-46804395-C-T.
Identifiers: ClinVar variation 3772945 (VCV003772945.2).

ClinVar aggregate classification (germline): Benign/Likely benign. Review status: criteria provided, multiple submitters, no conflicts (2 of 4 stars). 2 submissions from 2 submitters: Benign (1); Likely benign (1). Last evaluated 2024-12-12.

Conditions:
Hereditary cancer-predisposing syndrome. Also called: Neoplastic Syndromes, Hereditary; Tumor predisposition; Hereditary Cancer Syndrome; Hereditary neoplastic syndrome. Identifiers: Orphanet 140162, MedGen C0027672, MeSH D009386, MONDO:0015356.
Prostate cancer, hereditary, 9 (HPC9). Identifiers: Orphanet 1331, MedGen C1970250, MONDO:0012597, OMIM 610997.

gnomAD v4.1: 1 of 1,607,030 alleles (0.000062%); highest among the groups gnomAD compares: East Asian, 0.0022%; no homozygotes.

Submissions (2):

Ambry Genetics
Classification: Likely benign for Hereditary cancer-predisposing syndrome. Last evaluated: 2024-12-12. Review status: criteria provided, single submitter. Criteria: Ambry Variant Classification Scheme 2023. Collection method: clinical testing. Allele origin: germline.

Myriad Genetics, Inc.
Classification: Benign for Prostate cancer, hereditary, 9. Last evaluated: 2024-10-30. Review status: criteria provided, single submitter. Criteria: Myriad Autosomal Dominant, Autosomal Recessive and X-Linked Classification Criteria (2023). Collection method: clinical testing. Allele origin: unknown.
Comment: This variant is considered benign. This variant is a silent/synonymous amino acid change and it is not expected to impact splicing.